The following is an entry in ClinVar:

NM_004247.4(EFTUD2):c.2333C>A (p.Pro778His)

Gene: EFTUD2 (elongation factor Tu GTP binding domain containing 2; minus strand). Cytogenetic location: 17q21.31.
Variant type: single nucleotide variant.
Coding change: c.2333C>A on transcript NM_004247.4 (MANE Select); coding-DNA position 2333, C replaced by A.
Protein change: p.Pro778His; replaces proline 778 with histidine.
Molecular consequence: missense variant.
Genome position (GRCh38, 1-based): chr17:44,854,283, G>T on the plus strand (C>A on the coding strand, the complement: EFTUD2 is on the minus strand). VCF-style: chr17-44854283-G-T. GRCh37 (hg19) VCF-style: chr17-42931651-G-T.
Other names: c.2228C>A, p.Pro743His (NM_001142605.2); c.2333C>A, p.Pro778His (NM_001258353.2); c.2303C>A, p.Pro768His (NM_001258354.2); short protein forms P778H, P768H, P743H.
Identifiers: ClinVar variation 423361 (VCV000423361.2), dbSNP rs1064796381, ClinGen allele CA16620453.

ClinVar aggregate classification (germline): Likely pathogenic (1 of 4 stars; one submission).

Submission:

GeneDx
Classification: Likely pathogenic. Last evaluated: 2017-02-17. Review status: criteria provided, single submitter. Criteria: GeneDx Variant Classification (06012015). Collection method: clinical testing. Allele origin: germline. Affected: yes.
Comment: The P778H variant in the EFTUD2 gene has not been reported previously as a pathogenic variant, nor as a benign variant, to our knowledge. The P778H variant is not observed in large population cohorts (Lek et al., 2016; 1000 Genomes Consortium et al., 2015; Exome Variant Server). The P778H variant is a non-conservative amino acid substitution, which is likely to impact secondary protein structure as these residues differ in polarity, charge, size and/or other properties. This substitution occurs at a position that is conserved across species. In silico analysis predicts this variant is probably damaging to the protein structure/function. Therefore, the P778H variant is a strong candidate for a pathogenic variant